The following is an entry in ClinVar:

NM_002496.4(NDUFS8):c.605A>C (p.Asn202Thr)

Gene: NDUFS8 (NADH:ubiquinone oxidoreductase core subunit S8; plus strand). Cytogenetic location: 11q13.2.
Variant type: single nucleotide variant.
Coding change: c.605A>C on transcript NM_002496.4 (MANE Select); coding-DNA position 605, A replaced by C.
Protein change: p.Asn202Thr; replaces asparagine 202 with threonine.
Molecular consequence: missense variant.
Genome position (GRCh38, 1-based): chr11:68,036,565, A>C. VCF-style: chr11-68036565-A-C. GRCh37 (hg19) VCF-style: chr11-67804032-A-C.
Other names: short protein forms N202T.
Identifiers: ClinVar variation 1520762 (VCV001520762.6), dbSNP rs1246007371, ClinGen allele CA381570353.
Genomic context (GRCh38, chr11:68,036,565, plus strand): 5'-TGTACAACAAGGAGAAGTTGCTCAACAACGGGGACAAGTGGGAGGCCGAGATCGCCGCCA[A>C]CATCCAGGCTGACTACTTGTATCGGTGACGCCCCACCGGCCCGCAGCCCCTGCTGCCCAA-3'
Protein context (NP_002487.1, residues 192-210): GDKWEAEIAA[Asn202Thr]IQADYLYR

ClinVar aggregate classification (germline): Uncertain significance (1 of 4 stars; one submission).

Allele frequency attached by ClinVar (database versions not stated): gnomAD 0.00001.
gnomAD v4.1: 6 of 1,613,904 alleles (0.00037%); highest among the groups gnomAD compares: Admixed American, 0.01%; no homozygotes.

Submission:

Labcorp Genetics (formerly Invitae), Labcorp
Classification: Uncertain significance. Last evaluated: 2021-11-09. Review status: criteria provided, single submitter. Criteria: Invitae Variant Classification Sherloc (09022015). Collection method: clinical testing. Allele origin: germline.
Comment: This variant has not been reported in the literature in individuals affected with NDUFS8-related conditions. This sequence change replaces asparagine, which is neutral and polar, with threonine, which is neutral and polar, at codon 202 of the NDUFS8 protein (p.Asn202Thr). This variant is present in population databases (no rsID available, gnomAD 0.01%). Algorithms developed to predict the effect of missense changes on protein structure and function (SIFT, PolyPhen-2, Align-GVGD) all suggest that this variant is likely to be disruptive. In summary, the available evidence is currently insufficient to determine the role of this variant in disease. Therefore, it has been classified as a Variant of Uncertain Significance.